The following is an entry in ClinVar:

ClinVar aggregate classification (germline): Uncertain significance (1 of 4 stars; one submission).

Conditions:
NPHP1-related disorder. Also called: NPHP1-related disorders; NPHP1-related condition.

gnomAD v4.1: 2 of 1,581,920 alleles (0.00013%); highest among the groups gnomAD compares: Admixed American, 0.0033%; no homozygotes.

Submission:

PreventionGenetics, part of Exact Sciences
Classification: Uncertain significance for NPHP1-related condition. Last evaluated: 2026-03-03. Review status: criteria provided, single submitter. Criteria: ACMG Guidelines, 2015. Collection method: clinical testing. Allele origin: germline.
Comment: The NPHP1 c.1810+5G>T variant is predicted to interfere with splicing. This variant is predicted to alter splicing based on available splicing prediction programs (SpliceAI, Jaganathan et al. 2019. PubMed ID: 30661751). However, the use of computer prediction programs is not equivalent to functional evidence. To our knowledge, this variant has not been reported in the literature. This variant is reported in 0.0029% of alleles in individuals of Latino descent in gnomAD. At this time, the clinical significance of this variant is uncertain due to the absence of conclusive functional and genetic evidence.

NM_001128178.3(NPHP1):c.1642+5G>T

Gene: NPHP1 (nephrocystin 1; minus strand). Cytogenetic location: 2q13.
Variant type: single nucleotide variant.
Coding change: c.1642+5G>T on transcript NM_001128178.3 (MANE Select); 5 bases into the intron after coding-DNA position 1642, G replaced by T.
Molecular consequence: intron variant.
Genome position (GRCh38, 1-based): chr2:110,131,674, C>A on the plus strand (G>T on the coding strand, the complement: NPHP1 is on the minus strand). VCF-style: chr2-110131674-C-A. GRCh37 (hg19) VCF-style: chr2-110889251-C-A.
Other names: c.1453+5G>T (NM_001128179.3); c.1639+5G>T (NM_001374256.1); c.1642+5G>T (NM_001374257.1); c.1807+5G>T (NM_207181.4); c.1810+5G>T (NM_000272.5).
Identifiers: ClinVar variation 4991281 (VCV004991281.1).